The following is an entry in ClinVar:

NM_001382567.1(STIM1):c.1371C>A (p.Asp457Glu)

Gene: STIM1 (stromal interaction molecule 1; plus strand). Cytogenetic location: 11p15.4.
Variant type: single nucleotide variant.
Coding change: c.1371C>A on transcript NM_001382567.1 (MANE Select); coding-DNA position 1371, C replaced by A.
Protein change: p.Asp457Glu; replaces aspartic acid 457 with glutamic acid.
Molecular consequence: missense variant. On other transcripts: non-coding transcript variant (2).
Genome position (GRCh38, 1-based): chr11:4,083,395, C>A. VCF-style: chr11-4083395-C-A. GRCh37 (hg19) VCF-style: chr11-4104625-C-A.
Other names: c.1371C>A (NM_003156.3); c.1371C>A, p.Asp457Glu (NM_001277961.3, NM_001277962.2, NM_003156.4); c.1149C>A, p.Asp383Glu (NM_001382566.1, NM_001382573.1, NM_001382575.1 and 4 more transcripts); c.1392C>A, p.Asp464Glu (NM_001382568.1); c.1236C>A, p.Asp412Glu (NM_001382569.1); c.1143C>A, p.Asp381Glu (NM_001382570.1); c.891C>A, p.Asp297Glu (NM_001382571.1); c.882C>A, p.Asp294Glu (NM_001382580.1, NM_001382581.1); short protein forms D294E, D412E, D297E, D457E, D381E, D383E, D464E.
Identifiers: ClinVar variation 1374484 (VCV001374484.7), dbSNP rs777537168, ClinGen allele CA379194317.

ClinVar aggregate classification (germline): Uncertain significance. Review status: criteria provided, multiple submitters, no conflicts (2 of 4 stars). 2 submissions from 2 submitters: Uncertain significance (2). Last evaluated 2026-05-30.

Conditions:
Stormorken syndrome (STRMK). Also called: THROMBOCYTOPATHY, ASPLENIA, AND MIOSIS. Identifiers: Orphanet 3204, MedGen C1861451, MONDO:0008497, OMIM 185070.
Myopathy with tubular aggregates (TAM). Also called: Tubular Aggregate Myopathy. Identifiers: Orphanet 2593, MedGen C0410207, MONDO:0008051.
Combined immunodeficiency due to STIM1 deficiency. Also called: IMMUNODEFICIENCY 10; STIM1 DEFICIENCY. Identifiers: Orphanet 169090, Orphanet 317430, MedGen C2748557, MONDO:0013008, OMIM 612783.
STIM1-related disorder. Also called: STIM1-related condition.

gnomAD v4.1: 11 of 1,614,126 alleles (0.00068%); highest among the groups gnomAD compares: Non-Finnish European, 0.00093%; no homozygotes.

Submissions (2):

PreventionGenetics, part of Exact Sciences
Classification: Uncertain significance for STIM1-related condition. Last evaluated: 2026-05-30. Review status: criteria provided, single submitter. Criteria: ACMG Guidelines, 2015. Collection method: clinical testing. Allele origin: germline.
Comment: The STIM1 c.1371C>A variant is predicted to result in the amino acid substitution p.Asp457Glu. To our knowledge, this variant has not been reported in the literature. This variant is reported in 0.0065% of alleles in individuals of European (Non-Finnish) descent in gnomAD. At this time, the clinical significance of this variant is uncertain due to the absence of conclusive functional and genetic evidence.

Labcorp Genetics (formerly Invitae), Labcorp
Classification: Uncertain significance for Myopathy with tubular aggregates; Combined immunodeficiency due to STIM1 deficiency; Stormorken syndrome. Last evaluated: 2025-11-26. Review status: criteria provided, single submitter. Criteria: Invitae Variant Classification Sherloc (09022015). Collection method: clinical testing. Allele origin: germline.
Comment: This sequence change replaces aspartic acid, which is acidic and polar, with glutamic acid, which is acidic and polar, at codon 457 of the STIM1 protein (p.Asp457Glu). This variant is present in population databases (no rsID available, gnomAD 0.007%). This variant has not been reported in the literature in individuals affected with STIM1-related conditions. ClinVar contains an entry for this variant (Variation ID: 1374484). Invitae Evidence Modeling of protein sequence and biophysical properties (such as structural, functional, and spatial information, amino acid conservation, physicochemical variation, residue mobility, and thermodynamic stability) has been performed for this missense variant. However, the output from this modeling did not meet the statistical confidence thresholds required to predict the impact of this variant on STIM1 protein function. In summary, the available evidence is currently insufficient to determine the role of this variant in disease. Therefore, it has been classified as a Variant of Uncertain Significance.